The following is an entry in ClinVar:

ClinVar aggregate classification (germline): Likely benign (0 of 4 stars; one submission).

Conditions:
DENND4B-related disorder. Also called: DENND4B-related condition.

Submission:

PreventionGenetics, part of Exact Sciences
Classification: Likely benign for DENND4B-related condition. Last evaluated: 2019-10-28. Review status: no assertion criteria provided. Collection method: clinical testing. Allele origin: germline.
Comment: This variant is classified as likely benign based on ACMG/AMP sequence variant interpretation guidelines (Richards et al. 2015 PMID: 25741868, with internal and published modifications).

NM_014856.3(DENND4B):c.1056-3del

Gene: DENND4B (DENN domain containing 4B; minus strand). Cytogenetic location: 1q21.3.
Variant type: Deletion.
Coding change: c.1056-3del on transcript NM_014856.3 (MANE Select); 3 bases into the intron before coding-DNA position 1056, one base deleted (C; older notation c.1056-3delC).
Molecular consequence: intron variant.
Genome position (GRCh38, 1-based): chr1:153,941,443, G deleted on the plus strand (C on the coding strand, the reverse complement: DENND4B is on the minus strand); the first of 5 consecutive G bases (chr1:153,941,443-153,941,447); deleting any one gives the same sequence. VCF-style (leftmost placement, unchanged base first): chr1-153941442-TG-T. GRCh37 (hg19) VCF-style: chr1-153913918-TG-T.
Other names: c.1089-3del (NM_001367466.1).
Identifiers: ClinVar variation 3033812 (VCV003033812.2), dbSNP rs564800327, ClinGen allele CA1121808.